The following is an entry in ClinVar:

NM_145691.4(ATPAF2):c.362A>G (p.Gln121Arg)

Gene: ATPAF2 (ATP synthase mitochondrial F1 complex assembly factor 2; minus strand). Cytogenetic location: 17p11.2.
Variant type: single nucleotide variant.
Coding change: c.362A>G on transcript NM_145691.4 (MANE Select); coding-DNA position 362, A replaced by G.
Protein change: p.Gln121Arg; replaces glutamine 121 with arginine.
Molecular consequence: missense variant.
Genome position (GRCh38, 1-based): chr17:18,026,379, T>C on the plus strand (A>G on the coding strand, the complement: ATPAF2 is on the minus strand). VCF-style: chr17-18026379-T-C. GRCh37 (hg19) VCF-style: chr17-17929693-T-C.
Other names: short protein forms Q121R.
Identifiers: ClinVar variation 2081017 (VCV002081017.4), dbSNP rs2545080023, ClinGen allele CA398577979.

ClinVar aggregate classification (germline): Uncertain significance (1 of 4 stars; one submission).

Allele frequency attached by ClinVar (database versions not stated): gnomAD exomes below 0.00001.
gnomAD v4.1: 1 of 1,614,242 alleles (0.000062%); highest among the groups gnomAD compares: Non-Finnish European, 0.000085%; no homozygotes.

Submission:

Labcorp Genetics (formerly Invitae), Labcorp
Classification: Uncertain significance. Last evaluated: 2022-01-16. Review status: criteria provided, single submitter. Criteria: Invitae Variant Classification Sherloc (09022015). Collection method: clinical testing. Allele origin: germline.
Comment: This variant has not been reported in the literature in individuals affected with ATPAF2-related conditions. This variant is not present in population databases (gnomAD no frequency). This sequence change replaces glutamine, which is neutral and polar, with arginine, which is basic and polar, at codon 121 of the ATPAF2 protein (p.Gln121Arg). Algorithms developed to predict the effect of missense changes on protein structure and function (SIFT, PolyPhen-2, Align-GVGD) all suggest that this variant is likely to be tolerated. In summary, the available evidence is currently insufficient to determine the role of this variant in disease. Therefore, it has been classified as a Variant of Uncertain Significance.